The following is an entry in ClinVar:

NM_000186.4(CFH):c.380G>A (p.Arg127His)

Gene: CFH (complement factor H; plus strand). Cytogenetic location: 1q31.3.
Variant type: single nucleotide variant.
Coding change: c.380G>A on transcript NM_000186.4 (MANE Select); coding-DNA position 380, G replaced by A.
Protein change: p.Arg127His; replaces arginine 127 with histidine.
Molecular consequence: missense variant.
Genome position (GRCh38, 1-based): chr1:196,676,018, G>A. VCF-style: chr1-196676018-G-A. GRCh37 (hg19) VCF-style: chr1-196645148-G-A.
Other names: c.380G>A, p.Arg127His (NM_001014975.3); short protein forms R127H.
Identifiers: ClinVar variation 4291683 (VCV004291683.3).

ClinVar aggregate classification (germline): Conflicting classifications of pathogenicity. Review status: criteria provided, conflicting classifications (1 of 4 stars). 3 submissions from 3 submitters: Likely pathogenic (2); Uncertain significance (1). Last evaluated 2026-02-19.

Conditions:
Age related macular degeneration 4. Identifiers: MedGen C1853147, MONDO:0012540, OMIM 610698.
Basal laminar drusen. Also called: DRUSEN OF BRUCH MEMBRANE; DRUSEN, CUTICULAR; DRUSEN, EARLY ADULT-ONSET, GROUPED. Identifiers: Orphanet 75376, MedGen C0730295, MONDO:0007472, OMIM 126700.
Factor H deficiency (CFHD). Also called: COMPLEMENT FACTOR H DEFICIENCY; CFH DEFICIENCY. Identifiers: Orphanet 200421, MedGen C0398777, MONDO:0012350, OMIM 609814.

gnomAD v4.1: 5 of 1,610,526 alleles (0.00031%); highest among the groups gnomAD compares: Non-Finnish European, 0.00034%; no homozygotes.

Submissions (3):

GeneDx
Classification: Likely pathogenic. Last evaluated: 2026-02-19. Review status: criteria provided, single submitter. Criteria: GeneDx Variant Classification Process June 2021. Collection method: clinical testing. Allele origin: germline.
Comment: Observed in heterozygous state in a patient and the patient's mother with age-related macular degeneration in the published literature; the patient's father also had age-related macular degeneration but did not harbor this CFH variant (PMID: 27572114); Identified in the heterozygous state in a patient with early-onset macular drusen in published literature (PMID: 30905644); Published functional studies demonstrate a damaging effect on protein localization and secretion, resulting in loss-of-function (PMID: 22904312, 30905644); Not observed at significant frequency in large population cohorts (gnomAD); In silico analysis supports that this missense variant has a deleterious effect on protein structure/function; This variant is associated with the following publications: (PMID: 30905644, 22904312, 18782275, 27572114)

Labcorp Genetics (formerly Invitae), Labcorp
Classification: Uncertain significance. Last evaluated: 2025-12-17. Review status: criteria provided, single submitter. Criteria: Invitae Variant Classification Sherloc (09022015). Collection method: clinical testing. Allele origin: germline.
Comment: This sequence change replaces arginine, which is basic and polar, with histidine, which is basic and polar, at codon 127 of the CFH protein (p.Arg127His). The frequency data for this variant in the population databases is considered unreliable, as metrics indicate poor data quality at this position in the gnomAD database. This missense change has been observed in individual(s) with clinical features of CFH-related disorders (PMID: 18782275, 27572114, 30905644). ClinVar contains an entry for this variant (Variation ID: 4291683). An algorithm developed to predict the effect of missense changes on protein structure and function (PolyPhen-2) suggests that this variant is likely to be disruptive. Experimental studies have shown that this missense change affects CFH function (PMID: 30905644, 37156755). In summary, the available evidence is currently insufficient to determine the role of this variant in disease. Therefore, it has been classified as a Variant of Uncertain Significance.

Genomenon, Inc
Classification: Likely pathogenic for Age related macular degeneration 4; Factor H deficiency; Basal laminar drusen. Last evaluated: 2025-10-02. Review status: criteria provided, single submitter. Criteria: Genomenon Sequence Variant Interpretation Standards - Updated. Collection method: curation. Allele origin: germline. Affected: yes.
Comment: CFH p.Arg127His (c.380G>A) is a missense variant that changes the amino acid at residue 127 from Arginine to Histidine. This variant has been observed in at least one proband affected with a CFH-related disorder (PMID:29686068;26501415;27572114;30905644;18782275). The variant was found to segregate with disease in at least one affected family (PMID:27572114). Functional studies have been reported (PMID:37156755;30905644;22904312). It is absent or not present at a significant frequency in gnomAD. In conclusion, we classify CFH p.Arg127His (c.380G>A) as a likely pathogenic variant.

Literature cited by the submitters: PubMed 18782275 (cited by Labcorp Genetics (formerly Invitae), Labcorp and Genomenon, Inc); PubMed 27572114 (cited by Labcorp Genetics (formerly Invitae), Labcorp and Genomenon, Inc); PubMed 30905644 (cited by Labcorp Genetics (formerly Invitae), Labcorp and Genomenon, Inc); PubMed 37156755 (cited by Labcorp Genetics (formerly Invitae), Labcorp and Genomenon, Inc); PubMed 29686068 (cited by Genomenon, Inc); PubMed 26501415 (cited by Genomenon, Inc); PubMed 22904312 (cited by Genomenon, Inc).